The following is an entry in ClinVar:

ClinVar aggregate classification (germline): Benign/Likely benign. Review status: criteria provided, multiple submitters, no conflicts (2 of 4 stars). 5 submissions from 5 submitters: Benign (2); Likely benign (2). 1 of the submissions does not count toward it. Last evaluated 2023-07-07.

Conditions:
Tuberous sclerosis syndrome (TSC). Also called: Tuberous Sclerosis Complex; Tuberous sclerosis. Identifiers: Orphanet 805, MedGen C0041341, MONDO:0001734.
Tuberous sclerosis 2 (TSC2). Identifiers: Orphanet 805, MedGen C1860707, MONDO:0013199, OMIM 613254.

Allele frequency attached by ClinVar (database versions not stated): 1000 Genomes Project 0.00439; 1000 Genomes Project 30x 0.00453; TOPMed 0.01014; ESP Exome Variant Server 0.01311.
gnomAD v4.1: 21,863 of 1,610,540 alleles (1.4%); highest among the groups gnomAD compares: Non-Finnish European, 1.7%; 183 homozygotes.

Submissions (5):

KCCC/NGS Laboratory, Kuwait Cancer Control Center
Classification: Benign for Tuberous sclerosis 2. Last evaluated: 2023-07-07. Review status: criteria provided, single submitter. Criteria: ACMG Guidelines, 2015. Collection method: clinical testing. Allele origin: germline. Affected: yes.

GeneDx
Classification: Likely benign. Last evaluated: 2018-06-15. Review status: criteria provided, single submitter. Criteria: GeneDx Variant Classification (06012015). Collection method: clinical testing. Allele origin: germline. Affected: yes.
Comment: This variant is considered likely benign or benign based on one or more of the following criteria: it is a conservative change, it occurs at a poorly conserved position in the protein, it is predicted to be benign by multiple in silico algorithms, and/or has population frequency not consistent with disease.

Breakthrough Genomics
Classification: Likely benign. Review status: criteria provided, single submitter. Criteria: ACMG Guidelines, 2015. Collection method: not provided. Allele origin: germline. Inheritance: Autosomal dominant inheritance. Affected: yes.

PreventionGenetics, part of Exact Sciences
Classification: Benign. Review status: criteria provided, single submitter. Criteria: ACMG Guidelines, 2015. Collection method: clinical testing. Allele origin: germline.

Tuberous sclerosis database (TSC2)
No classification provided. Condition: TSC. Review status: no classification provided. Criteria: Tuberous Sclerosis Database Assertion Criteria 2015. Collection method: curation. Allele origin: germline. Affected: yes. Not counted in ClinVar's aggregate classification.

NM_000548.5(TSC2):c.4569+46C>T

Gene: TSC2 (TSC complex subunit 2; plus strand). Cytogenetic location: 16p13.3.
Variant type: single nucleotide variant.
Coding change: c.4569+46C>T on transcript NM_000548.5 (MANE Select); 46 bases into the intron after coding-DNA position 4569, C replaced by T.
Molecular consequence: intron variant.
Genome position (GRCh38, 1-based): chr16:2,085,072, C>T. VCF-style: chr16-2085072-C-T. GRCh37 (hg19) VCF-style: chr16-2135073-C-T.
Other names: c.4569+46C>T (NM_000548.4); c.4500+46C>T (NM_001114382.3); c.4440+46C>T (NM_021055.3, NM_001370405.1); c.4371+46C>T (NM_001363528.2); c.4437+46C>T (NM_001370404.1); c.4368+46C>T (NM_001077183.3); c.4260+46C>T (NM_001318827.2); c.3837+46C>T (NM_001318831.2); and 2 more.
Identifiers: ClinVar variation 49857 (VCV000049857.5), dbSNP rs45482793, ClinGen allele CA020667.
Genomic context (GRCh38, chr16:2,085,072, plus strand): 5'-CTGCTGCCCAATGAGGTAGGCGTGGCCTCCCTCTCCTGCATCCGCTGGAGCTGTGTGGCT[C>T]GGGTGAATGGTGGGGGGCCCAGCTCTGCTGCTGGGAGCTCAGGCTTGCAGAGGGCTCTGG-3'